The following is an entry in ClinVar:

NM_013372.7(GREM1):c.387G>C (p.Arg129Ser)

Gene: GREM1 (gremlin 1, DAN family BMP antagonist; plus strand). Cytogenetic location: 15q13.3.
Variant type: single nucleotide variant.
Coding change: c.387G>C on transcript NM_013372.7 (MANE Select); coding-DNA position 387, G replaced by C.
Protein change: p.Arg129Ser; replaces arginine 129 with serine.
Molecular consequence: missense variant.
Genome position (GRCh38, 1-based): chr15:32,731,077, G>C. VCF-style: chr15-32731077-G-C. GRCh37 (hg19) VCF-style: chr15-33023278-G-C.
Other names: c.177G>C, p.Arg59Ser (NM_001191322.2); c.264G>C, p.Arg88Ser (NM_001191323.2); c.387G>C, p.Arg129Ser (NM_001368719.1); short protein forms R59S, R88S, R129S.
Identifiers: ClinVar variation 3522504 (VCV003522504.1).
Genomic context (GRCh38, chr15:32,731,077, plus strand): 5'-CAGTCGCACCATCATCAACCGCTTCTGTTACGGCCAGTGCAACTCTTTCTACATCCCCAG[G>C]CACATCCGGAAGGAGGAAGGTTCCTTTCAGTCCTGCTCCTTCTGCAAGCCCAAGAAATTC-3'
Protein context (NP_037504.1, residues 119-139): YGQCNSFYIP[Arg129Ser]HIRKEEGSFQ

ClinVar aggregate classification (germline): Uncertain significance (1 of 4 stars; one submission).

Conditions:
Hereditary cancer-predisposing syndrome. Also called: Hereditary Cancer Syndrome; Hereditary neoplastic syndrome; Tumor predisposition; Neoplastic Syndromes, Hereditary. Identifiers: Orphanet 140162, MedGen C0027672, MeSH D009386, MONDO:0015356.

gnomAD v4.1: 10 of 1,614,144 alleles (0.00062%); highest among the groups gnomAD compares: Non-Finnish European, 0.00085%; no homozygotes.

Submission:

Ambry Genetics
Classification: Uncertain significance for Hereditary cancer-predisposing syndrome. Last evaluated: 2024-08-15. Review status: criteria provided, single submitter. Criteria: Ambry Variant Classification Scheme 2023. Collection method: clinical testing. Allele origin: germline.
Comment: The p.R129S variant (also known as c.387G>C), located in coding exon 1 of the GREM1 gene, results from a G to C substitution at nucleotide position 387. The arginine at codon 129 is replaced by serine, an amino acid with dissimilar properties. This amino acid position is conserved. In addition, the in silico prediction for this alteration is inconclusive. Based on the available evidence, the clinical significance of this variant remains unclear.